The following is an entry in ClinVar:

NM_007194.4(CHEK2):c.1008+71A>G

Gene: CHEK2 (checkpoint kinase 2; minus strand). Cytogenetic location: 22q12.1.
Variant type: single nucleotide variant.
Coding change: c.1008+71A>G on transcript NM_007194.4 (MANE Select); 71 bases into the intron after coding-DNA position 1008, A replaced by G.
Molecular consequence: intron variant.
Genome position (GRCh38, 1-based): chr22:28,699,767, T>C on the plus strand (A>G on the coding strand, the complement: CHEK2 is on the minus strand). VCF-style: chr22-28699767-T-C. GRCh37 (hg19) VCF-style: chr22-29095755-T-C.
Other names: chr22:29,095,755T>C; c.345+71A>G (NM_001437942.1, NM_001257387.3); c.807+71A>G (NM_001349956.3); c.1008+71A>G (NM_145862.3); c.1101+71A>G (NM_001438295.1, NM_001438293.1); c.1137+71A>G (NM_001438294.1, NM_001005735.3).
Identifiers: ClinVar variation 126901 (VCV000126901.1), dbSNP rs121908713, ClinGen allele CA230677.
Genomic context (GRCh38, chr22:28,699,767, plus strand): 5'-CAAGAAGAGAACAGCAAACACACAGATTCTCTTCTGAGTTTTAATCCACGGTCCCTCGAT[T>C]TCTGCCTAATTCAGGGAGTAATTCAACTAAAAGAAAGGCAGCTGTCAAAAGAATTGAGGG-3'

ClinVar aggregate classification (germline): not provided (0 of 4 stars; one submission).

Allele frequency attached by ClinVar (database versions not stated): gnomAD 0.00019 and 0.00020; TOPMed 0.00014.
gnomAD v4.1: 260 of 1,067,014 alleles (0.024%); highest among the groups gnomAD compares: Non-Finnish European, 0.035%; no homozygotes.

Submission:

Institute. of Biochemistry and Experimental Oncology, First Faculty of Medicine, Charles University in Prague
No classification provided. Review status: no classification provided. Collection method: not provided. Allele origin: germline.
Comment: Characterized in 1 out of 340 Non-Hodgkin lymphoma patients